The following is an entry in ClinVar:

ClinVar aggregate classification (germline): Uncertain significance (1 of 4 stars; one submission).

Submission:

Labcorp Genetics (formerly Invitae), Labcorp
Classification: Uncertain significance. Last evaluated: 2022-07-21. Review status: criteria provided, single submitter. Criteria: Invitae Variant Classification Sherloc (09022015). Collection method: clinical testing. Allele origin: germline.
Comment: A gross deletion of the genomic region encompassing the full coding sequence of the MRAP2 gene has been identified. The current clinical and genetic evidence is not sufficient to establish whether loss-of-function variants in MRAP2 cause disease. The boundaries of this event are unknown as they extend beyond the assayed region for this gene and therefore may encompass additional genes. This variant has not been reported in the literature in individuals affected with MRAP2-related conditions. In summary, the available evidence is currently insufficient to determine the role of this variant in disease. Therefore, it has been classified as a Variant of Uncertain Significance.

NC_000006.11:g.(?_84765038)_(86267798_?)del

Genes: CEP162 (centrosomal protein 162; minus strand), MRAP2 (melanocortin 2 receptor accessory protein 2; plus strand), NT5E (5'-nucleotidase ecto; plus strand), SNX14 (sorting nexin 14; minus strand), TBX18 (T-box transcription factor 18; minus strand). Cytogenetic location: 6q14.2-14.3.
Variant type: Deletion.
Identifiers: ClinVar variation 2427237 (VCV002427237.3).